The following is an entry in ClinVar:

ClinVar aggregate classification (germline): Uncertain significance (1 of 4 stars; one submission).

gnomAD v4.1: 1 of 1,613,422 alleles (0.000062%); highest among the groups gnomAD compares: Non-Finnish European, 0.000085%; no homozygotes.

Submission:

Ambry Genetics
Classification: Uncertain significance. Last evaluated: 2024-04-01. Review status: criteria provided, single submitter. Criteria: Ambry Variant Classification Scheme 2023. Collection method: clinical testing. Allele origin: germline.
Comment: The p.V871I variant (also known as c.2611G>A), located in coding exon 14 of the PALLD gene, results from a G to A substitution at nucleotide position 2611. The valine at codon 871 is replaced by isoleucine, an amino acid with highly similar properties. This amino acid position is conserved. In addition, this alteration is predicted to be tolerated by in silico analysis. Based on the available evidence, the clinical significance of this alteration remains unclear.

NM_001166108.2(PALLD):c.2662G>A (p.Val888Ile)

Genes: CBR4 (carbonyl reductase 4; minus strand), PALLD (palladin, cytoskeletal associated protein; plus strand). Cytogenetic location: 4q32.3.
Variant type: single nucleotide variant.
Coding change: c.2662G>A on transcript NM_001166108.2 (MANE Select); coding-DNA position 2662, G replaced by A.
Protein change: p.Val888Ile; replaces valine 888 with isoleucine.
Molecular consequence: missense variant.
Genome position (GRCh38, 1-based): chr4:168,913,966, G>A. VCF-style: chr4-168913966-G-A. GRCh37 (hg19) VCF-style: chr4-169835117-G-A.
Other names: c.1465G>A, p.Val489Ile (NM_001166109.2); c.1150G>A, p.Val384Ile (NM_001166110.2); c.490G>A, p.Val164Ile (NM_001367567.1, NM_001367569.1); c.541G>A, p.Val181Ile (NM_001367568.1, NM_001367570.1); c.2611G>A, p.Val871Ile (NM_016081.4); short protein forms V164I, V181I, V888I, V871I, V384I, V489I.
Identifiers: ClinVar variation 3304052 (VCV003304052.1).